The following is an entry in ClinVar:

NM_000554.6(CRX):c.435del (p.Leu146fs)

Gene: CRX (cone-rod homeobox; plus strand). Cytogenetic location: 19q13.33.
Variant type: Deletion.
Coding change: c.435del on transcript NM_000554.6 (MANE Select); coding-DNA position 435, one base deleted (T; older notation c.435delT).
Protein change: p.Leu146fs; shifts the reading frame from leucine 146.
Molecular consequence: frameshift variant.
Genome position (GRCh38, 1-based): chr19:47,839,502, T deleted. VCF-style (leftmost placement, unchanged base first): chr19-47839501-CT-C. GRCh37 (hg19) VCF-style: chr19-48342758-CT-C.
Other names: short protein forms L146fs.
Identifiers: ClinVar variation 956193 (VCV000956193.7), dbSNP rs1968165217, ClinGen allele CA1139666505.

ClinVar aggregate classification (germline): Pathogenic (1 of 4 stars; one submission).

Conditions:
Cone-rod dystrophy 2 (CORD2). Also called: Cone-rod retinal dystrophy 2; CONE-ROD RETINAL DYSTROPHY. Identifiers: Orphanet 1872, MedGen C3489532, MONDO:0007362, OMIM 120970.
Leber congenital amaurosis 7 (LCA7). Identifiers: Orphanet 65, MedGen C3151192, MONDO:0013449, OMIM 613829.

Submission:

Labcorp Genetics (formerly Invitae), Labcorp
Classification: Pathogenic for Cone-rod dystrophy 2; Leber congenital amaurosis 7. Last evaluated: 2024-04-17. Review status: criteria provided, single submitter. Criteria: Invitae Variant Classification Sherloc (09022015). Collection method: clinical testing. Allele origin: germline.
Comment: This sequence change creates a premature translational stop signal (p.Leu146Cysfs*41) in the CRX gene. While this is not anticipated to result in nonsense mediated decay, it is expected to disrupt the last 154 amino acid(s) of the CRX protein. This variant is not present in population databases (gnomAD no frequency). This variant has not been reported in the literature in individuals affected with CRX-related conditions. ClinVar contains an entry for this variant (Variation ID: 956193). This variant disrupts a region of the CRX protein in which other variant(s) (p.Tyr258*) have been determined to be pathogenic (PMID: 22968130, 25270190). This suggests that this is a clinically significant region of the protein, and that variants that disrupt it are likely to be disease-causing. For these reasons, this variant has been classified as Pathogenic.

Literature cited by the submitters: PubMed 22968130; PubMed 25270190.